The following is an entry in ClinVar:

ClinVar aggregate classification (germline): Uncertain significance. Review status: criteria provided, multiple submitters, no conflicts (2 of 4 stars). 2 submissions from 2 submitters: Uncertain significance (2). Last evaluated 2025-10-19.

Conditions:
Craniolenticulosutural dysplasia (CLSD). Also called: BOYADJIEV-JABS SYNDROME. Identifiers: Orphanet 50814, MedGen C1843042, MONDO:0011911, OMIM 607812.

Allele frequency attached by ClinVar (database versions not stated): ExAC 0.00002; gnomAD 0.00003; TOPMed 0.00004.
gnomAD v4.1: 36 of 1,613,102 alleles (0.0022%); highest among the groups gnomAD compares: African/African-American, 0.004%; no homozygotes.

Submissions (2):

Labcorp Genetics (formerly Invitae), Labcorp
Classification: Uncertain significance for Craniolenticulosutural dysplasia. Last evaluated: 2025-10-19. Review status: criteria provided, single submitter. Criteria: Invitae Variant Classification Sherloc (09022015). Collection method: clinical testing. Allele origin: germline.
Comment: This sequence change replaces arginine, which is basic and polar, with histidine, which is basic and polar, at codon 67 of the SEC23A protein (p.Arg67His). This variant is present in population databases (rs781419160, gnomAD 0.003%). This variant has not been reported in the literature in individuals affected with SEC23A-related conditions. ClinVar contains an entry for this variant (Variation ID: 3159244). Invitae Evidence Modeling of protein sequence and biophysical properties (such as structural, functional, and spatial information, amino acid conservation, physicochemical variation, residue mobility, and thermodynamic stability) indicates that this missense variant is not expected to disrupt SEC23A protein function with a negative predictive value of 80%. In summary, the available evidence is currently insufficient to determine the role of this variant in disease. Therefore, it has been classified as a Variant of Uncertain Significance.

Ambry Genetics
Classification: Uncertain significance. Last evaluated: 2023-12-27. Review status: criteria provided, single submitter. Criteria: Ambry Variant Classification Scheme 2023. Collection method: clinical testing. Allele origin: germline.

NM_006364.4(SEC23A):c.200G>A (p.Arg67His)

Gene: SEC23A (SEC23 homolog A, COPII component; minus strand). Cytogenetic location: 14q21.1.
Variant type: single nucleotide variant.
Coding change: c.200G>A on transcript NM_006364.4 (MANE Select); coding-DNA position 200, G replaced by A.
Protein change: p.Arg67His; replaces arginine 67 with histidine.
Molecular consequence: missense variant.
Genome position (GRCh38, 1-based): chr14:39,095,919, C>T on the plus strand (G>A on the coding strand, the complement: SEC23A is on the minus strand). VCF-style: chr14-39095919-C-T. GRCh37 (hg19) VCF-style: chr14-39565123-C-T.
Other names: short protein forms R67H.
Identifiers: ClinVar variation 3159244 (VCV003159244.2), dbSNP rs781419160, ClinGen allele CA7162237.